The following is an entry in ClinVar:

NM_014915.3(ANKRD26):c.2376-2_2376-1delinsCC

Gene: ANKRD26 (ankyrin repeat domain 26; minus strand). Cytogenetic location: 10p12.1.
Variant type: Indel.
Coding change: c.2376-2_2376-1delinsCC on transcript NM_014915.3 (MANE Select); the canonical splice acceptor site of the intron before coding-DNA position 2376, AG replaced by CC.
Molecular consequence: splice acceptor variant.
Genome position (GRCh38, 1-based): chr10:27,038,055-27,038,056, CT replaced by GG on the plus strand (AG replaced by CC on the coding strand, the reverse complement: ANKRD26 is on the minus strand). VCF-style: chr10-27038055-CT-GG. GRCh37 (hg19) VCF-style: chr10-27326984-CT-GG.
Other names: c.2373-2_2373-1delinsCC (NM_001256053.2).
Identifiers: ClinVar variation 4718031 (VCV004718031.1).

ClinVar aggregate classification (germline): Uncertain significance (1 of 4 stars; one submission).

Submission:

Labcorp Genetics (formerly Invitae), Labcorp
Classification: Uncertain significance. Last evaluated: 2025-04-20. Review status: criteria provided, single submitter. Criteria: Invitae Variant Classification Sherloc (09022015). Collection method: clinical testing. Allele origin: germline.
Comment: This sequence change affects a splice site in intron 21 of the ANKRD26 gene. It is expected to disrupt RNA splicing. Variants that disrupt the donor or acceptor splice site typically lead to a loss of protein function (PMID: 16199547), however the current clinical and genetic evidence is not sufficient to establish whether loss-of-function variants in ANKRD26 cause disease. Information on the frequency of this variant in the gnomAD database is not available, as this variant may be reported differently in the database. This variant has not been reported in the literature in individuals affected with ANKRD26-related conditions. Experimental studies and prediction algorithms are not available or were not evaluated, and the effect of this variant on mRNA splicing is currently unknown. In summary, the available evidence is currently insufficient to determine the role of this variant in disease. Therefore, it has been classified as a Variant of Uncertain Significance.

Literature cited by the submitters: PubMed 16199547.